The following is an entry in ClinVar:

NM_002291.3(LAMB1):c.4955A>G (p.Glu1652Gly)

Gene: LAMB1 (laminin subunit beta 1; minus strand). Cytogenetic location: 7q31.1.
Variant type: single nucleotide variant.
Coding change: c.4955A>G on transcript NM_002291.3 (MANE Select); coding-DNA position 4955, A replaced by G.
Protein change: p.Glu1652Gly; replaces glutamic acid 1652 with glycine.
Molecular consequence: missense variant.
Genome position (GRCh38, 1-based): chr7:107,926,292, T>C on the plus strand (A>G on the coding strand, the complement: LAMB1 is on the minus strand). VCF-style: chr7-107926292-T-C. GRCh37 (hg19) VCF-style: chr7-107566737-T-C.
Other names: short protein forms E1652G.
Identifiers: ClinVar variation 4762089 (VCV004762089.1).

ClinVar aggregate classification (germline): Uncertain significance (1 of 4 stars; one submission).

gnomAD v4.1: 2 of 1,614,006 alleles (0.00012%); highest among the groups gnomAD compares: Non-Finnish European, 0.00017%; no homozygotes.

Submission:

Labcorp Genetics (formerly Invitae), Labcorp
Classification: Uncertain significance. Last evaluated: 2025-03-17. Review status: criteria provided, single submitter. Criteria: Invitae Variant Classification Sherloc (09022015). Collection method: clinical testing. Allele origin: germline.
Comment: This sequence change replaces glutamic acid, which is acidic and polar, with glycine, which is neutral and non-polar, at codon 1652 of the LAMB1 protein (p.Glu1652Gly). This variant is not present in population databases (gnomAD no frequency). This variant has not been reported in the literature in individuals affected with LAMB1-related conditions. An algorithm developed to predict the effect of missense changes on protein structure and function (PolyPhen-2) suggests that this variant is likely to be tolerated. In summary, the available evidence is currently insufficient to determine the role of this variant in disease. Therefore, it has been classified as a Variant of Uncertain Significance.